The following is an entry in ClinVar:

NM_000153.4(GALC):c.639G>C (p.Leu213=)

Gene: GALC (galactosylceramidase; minus strand). Cytogenetic location: 14q31.3.
Variant type: single nucleotide variant.
Coding change: c.639G>C on transcript NM_000153.4 (MANE Select); coding-DNA position 639, G replaced by C.
Protein change: p.Leu213=; no amino-acid change (leucine 213 retained).
Molecular consequence: synonymous variant.
Genome position (GRCh38, 1-based): chr14:87,976,471, C>G on the plus strand (G>C on the coding strand, the complement: GALC is on the minus strand). VCF-style: chr14-87976471-C-G. GRCh37 (hg19) VCF-style: chr14-88442815-C-G.
Other names: c.570G>C, p.Leu190= (NM_001201401.2); c.561G>C, p.Leu187= (NM_001201402.2).
Identifiers: ClinVar variation 1161400 (VCV001161400.31), dbSNP rs373343608, ClinGen allele CA264708362.

ClinVar aggregate classification (germline): Likely benign. Review status: criteria provided, multiple submitters, no conflicts (2 of 4 stars). 2 submissions from 2 submitters: Likely benign (2). Last evaluated 2026-01-01.

Conditions:
Galactosylceramide beta-galactosidase deficiency. Also called: Leukodystrophy, Globoid Cell; Krabbe Disease; GALACTOCEREBROSIDASE DEFICIENCY; GALC DEFICIENCY; GLOBOID CELL LEUKOENCEPHALOPATHY. Identifiers: Orphanet 487, MedGen C0023521, MONDO:0009499, OMIM 245200.

Allele frequency attached by ClinVar (database versions not stated): gnomAD exomes 0.00002 and 0.00003; TOPMed 0.00002; gnomAD 0.00003 and 0.00004; ESP Exome Variant Server 0.00008.
gnomAD v4.1: 50 of 1,612,592 alleles (0.0031%); highest among the groups gnomAD compares: Non-Finnish European, 0.004%; no homozygotes.

Submissions (2):

CeGaT Center for Human Genetics Tuebingen
Classification: Likely benign. Last evaluated: 2026-01-01. Review status: criteria provided, single submitter. Criteria: CeGaT Center For Human Genetics Tuebingen Variant Classification Criteria Version 2. Collection method: clinical testing. Allele origin: germline. Affected: yes. Observed: 2 variant alleles.
Comment: GALC: BP4, BP7

Labcorp Genetics (formerly Invitae), Labcorp
Classification: Likely benign for Galactosylceramide beta-galactosidase deficiency. Last evaluated: 2024-04-24. Review status: criteria provided, single submitter. Criteria: Invitae Variant Classification Sherloc (09022015). Collection method: clinical testing. Allele origin: germline.